The following is an entry in ClinVar:

ClinVar aggregate classification (germline): Benign. Review status: criteria provided, multiple submitters, no conflicts (2 of 4 stars). 8 submissions from 8 submitters: Benign (7). 1 of the submissions does not count toward it. Last evaluated 2026-02-04.

Conditions:
Usher syndrome type 1 (USH1). Also called: RETINITIS PIGMENTOSA AND CONGENITAL DEAFNESS. Identifiers: Orphanet 231169, Orphanet 886, MedGen C1568247, MONDO:0010168, OMIM 276900.
Usher syndrome type 1F (USH1F). Also called: USHER SYNDROME, TYPE IF. Identifiers: Orphanet 231169, Orphanet 886, MedGen C1865885, MONDO:0011186, OMIM 602083.

Allele frequency attached by ClinVar (database versions not stated): gnomAD 0.03571 and 0.03803; 1000 Genomes Project 0.04533; 1000 Genomes Project 30x 0.04700; gnomAD exomes 0.00345 and 0.00954; TOPMed 0.03980; ESP Exome Variant Server 0.04198; ExAC 0.01196.
gnomAD v4.1: 10,746 of 1,614,002 alleles (0.67%); highest among the groups gnomAD compares: African/African-American, 12%; 643 homozygotes.

Submissions (8):

Labcorp Genetics (formerly Invitae), Labcorp
Classification: Benign. Last evaluated: 2026-02-04. Review status: criteria provided, single submitter. Criteria: Invitae Variant Classification Sherloc (09022015). Collection method: clinical testing. Allele origin: germline.

Athena Diagnostics
Classification: Benign. Last evaluated: 2018-08-31. Review status: criteria provided, single submitter. Criteria: Athena Diagnostics Criteria. Collection method: clinical testing. Allele origin: germline.

Illumina Laboratory Services, Illumina
Classification: Benign for Usher syndrome type 1. Last evaluated: 2018-01-13. Review status: criteria provided, single submitter. Criteria: ICSL Variant Classification Criteria 13 December 2019. Collection method: clinical testing. Allele origin: germline.
Comment: This variant was observed in the ICSL laboratory as part of a predisposition screen in an ostensibly healthy population. It had not been previously curated by ICSL or reported in the Human Gene Mutation Database (HGMD: prior to June 1st, 2018), and was therefore a candidate for classification through an automated scoring system. Utilizing variant allele frequency, disease prevalence and penetrance estimates, and inheritance mode, an automated score was calculated to assess if this variant is too frequent to cause the disease. Based on the score and internal cut-off values, a variant classified as benign is not then subjected to further curation. The score for this variant resulted in a classification of benign for this disease.

GeneDx
Classification: Benign. Last evaluated: 2017-10-05. Review status: criteria provided, single submitter. Criteria: GeneDx Variant Classification (06012015). Collection method: clinical testing. Allele origin: germline. Affected: yes.
Comment: This variant is considered likely benign or benign based on one or more of the following criteria: it is a conservative change, it occurs at a poorly conserved position in the protein, it is predicted to be benign by multiple in silico algorithms, and/or has population frequency not consistent with disease.

Eurofins Ntd Llc (ga)
Classification: Benign. Last evaluated: 2014-03-20. Review status: criteria provided, single submitter. Criteria: EGL Classification Definitions 2015. Collection method: clinical testing. Allele origin: germline. Observed: 2 variant alleles, 2 heterozygotes.

Laboratory for Molecular Medicine, Mass General Brigham Personalized Medicine
Classification: Benign. Last evaluated: 2011-02-01. Review status: criteria provided, single submitter. Criteria: LMM Criteria. Collection method: clinical testing. Allele origin: germline. Observed: 44 variant alleles.
Comment: Ile1903Val in exon 33 of PCDH15: This variant is not expected to have clinical s ignificance because has been identified with a frequency of 21% in the West Afri can population (dbSNP rs79854148). In addition, this residue is not conserved in mammals and this variant occurs at an equal frequency in probands (1/113) and c ontrols (1/80) (Ouyang 2005).

Breakthrough Genomics
Classification: Benign. Review status: criteria provided, single submitter. Criteria: ACMG Guidelines, 2015. Collection method: not provided. Allele origin: germline. Inheritance: Autosomal recessive inheritance. Affected: yes.

Natera, Inc.
Classification: Benign for Usher syndrome type 1F. Last evaluated: 2020-09-16. Review status: no assertion criteria provided. Collection method: clinical testing. Allele origin: germline. Not counted in ClinVar's aggregate classification.

Literature cited by the submitters: PubMed 15660226 (cited by Laboratory for Molecular Medicine, Mass General Brigham Personalized Medicine).

NM_033056.4(PCDH15):c.5707A>G (p.Ile1903Val)

Gene: PCDH15 (protocadherin related 15; minus strand). Cytogenetic location: 10q21.1.
Variant type: single nucleotide variant.
Coding change: c.5707A>G on transcript NM_033056.4 (MANE Plus Clinical); coding-DNA position 5707, A replaced by G.
Protein change: p.Ile1903Val; replaces isoleucine 1903 with valine.
Molecular consequence: missense variant. On other transcripts: intron variant (8).
Genome position (GRCh38, 1-based): chr10:53,822,019, T>C on the plus strand (A>G on the coding strand, the complement: PCDH15 is on the minus strand). VCF-style: chr10-53822019-T-C. GRCh37 (hg19) VCF-style: chr10-55581779-T-C.
Other names: c.5728A>G, p.Ile1910Val (NM_001142763.2); c.5713A>G, p.Ile1905Val (NM_001142764.2); c.5500A>G, p.Ile1834Val (NM_001142765.2); c.5698A>G, p.Ile1900Val (NM_001142766.2); c.5587A>G, p.Ile1863Val (NM_001142767.2); c.5647A>G, p.Ile1883Val (NM_001142768.2); c.5638A>G, p.Ile1880Val (NM_001142773.2); c.5641A>G, p.Ile1881Val (NM_001354404.2); and 7 more; short protein forms I1903V, I1880V, I1881V, I1900V, I1834V, I1863V, I1883V, I1905V.
Identifiers: ClinVar variation 46507 (VCV000046507.24), dbSNP rs79854148, ClinGen allele CA138487.